The following is an entry in ClinVar:

NM_001039141.3(TRIOBP):c.6414G>A (p.Gln2138=)

Gene: TRIOBP (TRIO and F-actin binding protein; plus strand). Cytogenetic location: 22q13.1.
Variant type: single nucleotide variant.
Coding change: c.6414G>A on transcript NM_001039141.3 (MANE Select); coding-DNA position 6414, G replaced by A.
Protein change: p.Gln2138=; no amino-acid change (glutamine 2138 retained).
Molecular consequence: synonymous variant.
Genome position (GRCh38, 1-based): chr22:37,765,759, G>A. VCF-style: chr22-37765759-G-A. GRCh37 (hg19) VCF-style: chr22-38161766-G-A.
Other names: c.1275G>A, p.Gln425= (NM_007032.5).
Identifiers: ClinVar variation 680327 (VCV000680327.11), dbSNP rs369245613, ClinGen allele CA10225020.

ClinVar aggregate classification (germline): Benign/Likely benign. Review status: criteria provided, multiple submitters, no conflicts (2 of 4 stars). 4 submissions from 4 submitters: Benign (1); Likely benign (2). 1 of the submissions does not count toward it. Last evaluated 2024-11-07.

Conditions:
TRIOBP-related disorder. Also called: TRIOBP-related condition.

Allele frequency attached by ClinVar (database versions not stated): gnomAD exomes 0.00005 and 0.00010; 1000 Genomes Project 30x 0.00016; 1000 Genomes Project 0.00020; ExAC 0.00035; ESP Exome Variant Server 0.00040; TOPMed 0.00050; gnomAD 0.00060 and 0.00063.
gnomAD v4.1: 165 of 1,581,852 alleles (0.01%); highest among the groups gnomAD compares: African/African-American, 0.18%; 1 homozygote.

Submissions (4):

Labcorp Genetics (formerly Invitae), Labcorp
Classification: Benign. Last evaluated: 2024-11-07. Review status: criteria provided, single submitter. Criteria: Invitae Variant Classification Sherloc (09022015). Collection method: clinical testing. Allele origin: germline.

Blueprint Genetics
Classification: Likely benign. Last evaluated: 2022-11-21. Review status: criteria provided, single submitter. Criteria: ACMG Guidelines, 2015. Collection method: clinical testing. Allele origin: germline.

GeneDx
Classification: Likely benign. Last evaluated: 2020-10-28. Review status: criteria provided, single submitter. Criteria: GeneDx Variant Classification Process June 2021. Collection method: clinical testing. Allele origin: germline. Affected: yes.

PreventionGenetics, part of Exact Sciences
Classification: Likely benign for TRIOBP-related condition. Last evaluated: 2024-05-18. Review status: no assertion criteria provided. Collection method: clinical testing. Allele origin: germline. Not counted in ClinVar's aggregate classification.
Comment: This variant is classified as likely benign based on ACMG/AMP sequence variant interpretation guidelines (Richards et al. 2015 PMID: 25741868, with internal and published modifications).